The following is an entry in ClinVar:

ClinVar aggregate classification (germline): Uncertain significance (0 of 4 stars; one submission).

Conditions:
ABCC2-related disorder. Also called: ABCC2-related condition.

gnomAD v4.1: 1 of 1,614,042 alleles (0.000062%); highest among the groups gnomAD compares: African/African-American, 0.0013%; no homozygotes.

Submission:

PreventionGenetics, part of Exact Sciences
Classification: Uncertain significance for ABCC2-related condition. Last evaluated: 2024-07-11. Review status: no assertion criteria provided. Collection method: clinical testing. Allele origin: germline.
Comment: The ABCC2 c.1412T>G variant is predicted to result in the amino acid substitution p.Val471Gly. To our knowledge, this variant has not been reported in the literature. This variant is reported in 0.0062% of alleles in individuals of African descent in gnomAD. At this time, the clinical significance of this variant is uncertain due to the absence of conclusive functional and genetic evidence.

NM_000392.5(ABCC2):c.1412T>G (p.Val471Gly)

Gene: ABCC2 (ATP binding cassette subfamily C member 2; plus strand). Cytogenetic location: 10q24.2.
Variant type: single nucleotide variant.
Coding change: c.1412T>G on transcript NM_000392.5 (MANE Select); coding-DNA position 1412, T replaced by G.
Protein change: p.Val471Gly; replaces valine 471 with glycine.
Molecular consequence: missense variant.
Genome position (GRCh38, 1-based): chr10:99,804,221, T>G. VCF-style: chr10-99804221-T-G. GRCh37 (hg19) VCF-style: chr10-101563978-T-G.
Other names: short protein forms V471G.
Identifiers: ClinVar variation 3356523 (VCV003356523.1).